The following is an entry in ClinVar:

ClinVar aggregate classification (germline): Uncertain significance (1 of 4 stars; one submission).

Allele frequency attached by ClinVar (database versions not stated): gnomAD exomes below 0.00001; TOPMed below 0.00001.
gnomAD v4.1: 1 of 1,613,796 alleles (0.000062%); highest among the groups gnomAD compares: Non-Finnish European, 0.000085%; no homozygotes.

Submission:

GeneDx
Classification: Uncertain significance. Last evaluated: 2024-10-09. Review status: criteria provided, single submitter. Criteria: GeneDx Variant Classification Process June 2021. Collection method: clinical testing. Allele origin: germline. Affected: yes.
Comment: Not observed at significant frequency in large population cohorts (gnomAD); In silico analysis supports that this missense variant has a deleterious effect on protein structure/function; Has not been previously published as pathogenic or benign to our knowledge

NM_015215.4(CAMTA1):c.2693C>A (p.Ala898Asp)

Gene: CAMTA1 (calmodulin binding transcription activator 1; plus strand). Cytogenetic location: 1p36.23.
Variant type: single nucleotide variant.
Coding change: c.2693C>A on transcript NM_015215.4 (MANE Select); coding-DNA position 2693, C replaced by A.
Protein change: p.Ala898Asp; replaces alanine 898 with aspartic acid.
Molecular consequence: missense variant. On other transcripts: 5 prime UTR variant (6).
Genome position (GRCh38, 1-based): chr1:7,670,951, C>A. VCF-style: chr1-7670951-C-A. GRCh37 (hg19) VCF-style: chr1-7731011-C-A.
Other names: c.2603C>A, p.Ala868Asp (NM_001349608.2, NM_001349612.2); c.2693C>A, p.Ala898Asp (NM_001349609.2, NM_001349610.2); c.-236C>A (NM_001349614.1, NM_001349617.1, NM_001349620.1 and 3 more transcripts); short protein forms A868D, A898D.
Identifiers: ClinVar variation 1320664 (VCV001320664.3), dbSNP rs1418876284, ClinGen allele CA338120975.